The following is an entry in ClinVar:

NM_001048174.2(MUTYH):c.791C>T (p.Pro264Leu)

Gene: MUTYH (mutY DNA glycosylase; minus strand). Cytogenetic location: 1p34.1.
Variant type: single nucleotide variant.
Coding change: c.791C>T on transcript NM_001048174.2 (MANE Select); coding-DNA position 791, C replaced by T.
Protein change: p.Pro264Leu; replaces proline 264 with leucine.
Molecular consequence: missense variant. On other transcripts: non-coding transcript variant (2).
Genome position (GRCh38, 1-based): chr1:45,332,224, G>A on the plus strand (C>T on the coding strand, the complement: MUTYH is on the minus strand). VCF-style: chr1-45332224-G-A. GRCh37 (hg19) VCF-style: chr1-45797896-G-A.
Other names: c.791C>T, p.Pro264Leu (NM_001048171.2, NM_001048173.2, NM_001293195.2); c.794C>T, p.Pro265Leu (NM_001048172.2); c.875C>T, p.Pro292Leu (NM_001128425.2); c.836C>T, p.Pro279Leu (NM_001293190.2); c.824C>T, p.Pro275Leu (NM_001293191.2); c.515C>T, p.Pro172Leu (NM_001293192.2, NM_001293196.2); c.446C>T, p.Pro149Leu (NM_001350650.2, NM_001350651.2); c.866C>T, p.Pro289Leu (NM_012222.3); short protein forms P149L, P172L, P264L, P265L, P275L, P279L, P289L, P292L.
Identifiers: ClinVar variation 1051736 (VCV001051736.11), dbSNP rs780500491, ClinGen allele CA340134490.

ClinVar aggregate classification (germline): Uncertain significance. Review status: criteria provided, multiple submitters, no conflicts (2 of 4 stars). 2 submissions from 2 submitters: Uncertain significance (2). Last evaluated 2022-03-07.

Conditions:
Hereditary cancer-predisposing syndrome. Also called: Neoplastic Syndromes, Hereditary; Hereditary Cancer Syndrome; Hereditary neoplastic syndrome; Tumor predisposition. Identifiers: Orphanet 140162, MedGen C0027672, MeSH D009386, MONDO:0015356.
Familial adenomatous polyposis 2. Also called: Adenomas, multiple colorectal; MUTYH Polyposis; COLORECTAL ADENOMATOUS POLYPOSIS, AUTOSOMAL RECESSIVE; ADENOMAS, MULTIPLE COLORECTAL, AUTOSOMAL RECESSIVE; FAP type 2; MUTYH-associated polyposis. Identifiers: Orphanet 220460, Orphanet 247798, MedGen C3272841, MONDO:0012041, OMIM 608456.

Submissions (2):

Labcorp Genetics (formerly Invitae), Labcorp
Classification: Uncertain significance for Familial adenomatous polyposis 2. Last evaluated: 2022-03-07. Review status: criteria provided, single submitter. Criteria: Invitae Variant Classification Sherloc (09022015). Collection method: clinical testing. Allele origin: germline.
Comment: ClinVar contains an entry for this variant (Variation ID: 1051736). This variant has not been reported in the literature in individuals affected with MUTYH-related conditions. This variant is not present in population databases (gnomAD no frequency). This sequence change replaces proline, which is neutral and non-polar, with leucine, which is neutral and non-polar, at codon 292 of the MUTYH protein (p.Pro292Leu). Algorithms developed to predict the effect of missense changes on protein structure and function (SIFT, PolyPhen-2, Align-GVGD) all suggest that this variant is likely to be disruptive. In summary, the available evidence is currently insufficient to determine the role of this variant in disease. Therefore, it has been classified as a Variant of Uncertain Significance.

Ambry Genetics
Classification: Uncertain significance for Hereditary cancer-predisposing syndrome. Last evaluated: 2020-09-28. Review status: criteria provided, single submitter. Criteria: Ambry Variant Classification Scheme 2023. Collection method: clinical testing. Allele origin: germline.
Comment: The p.P292L variant (also known as c.875C>T), located in coding exon 10 of the MUTYH gene, results from a C to T substitution at nucleotide position 875. The proline at codon 292 is replaced by leucine, an amino acid with similar properties. This amino acid position is highly conserved in available vertebrate species. In addition, this alteration is predicted to be deleterious by in silico analysis. Since supporting evidence is limited at this time, the clinical significance of this alteration remains unclear.